The following is an entry in ClinVar:

NM_015158.5(KANK1):c.977C>G (p.Ala326Gly)

Gene: KANK1 (KN motif and ankyrin repeat domains 1; plus strand). Cytogenetic location: 9p24.3.
Variant type: single nucleotide variant.
Coding change: c.977C>G on transcript NM_015158.5 (MANE Select); coding-DNA position 977, C replaced by G.
Protein change: p.Ala326Gly; replaces alanine 326 with glycine.
Molecular consequence: missense variant. On other transcripts: non-coding transcript variant (1).
Genome position (GRCh38, 1-based): chr9:711,743, C>G. VCF-style: chr9-711743-C-G. GRCh37 (hg19) VCF-style: chr9-711743-C-G.
Other names: c.977C>G, p.Ala326Gly (NM_001256877.3, NM_001354331.2, NM_001354332.2 and 2 more transcripts); c.503C>G, p.Ala168Gly (NM_001354333.2, NM_001354335.2, NM_001354336.2 and 9 more transcripts); short protein forms A168G, A326G.
Identifiers: ClinVar variation 2100986 (VCV002100986.4), dbSNP rs765344155, ClinGen allele CA187836520.

ClinVar aggregate classification (germline): Uncertain significance (1 of 4 stars; one submission).

gnomAD v4.1: 1 of 1,614,168 alleles (0.000062%); highest among the groups gnomAD compares: Admixed American, 0.0017%; no homozygotes.

Submission:

Labcorp Genetics (formerly Invitae), Labcorp
Classification: Uncertain significance. Last evaluated: 2025-12-10. Review status: criteria provided, single submitter. Criteria: Invitae Variant Classification Sherloc (09022015). Collection method: clinical testing. Allele origin: germline.
Comment: This sequence change replaces alanine, which is neutral and non-polar, with glycine, which is neutral and non-polar, at codon 326 of the KANK1 protein (p.Ala326Gly). This variant is not present in population databases (gnomAD no frequency). This variant has not been reported in the literature in individuals affected with KANK1-related conditions. ClinVar contains an entry for this variant (Variation ID: 2100986). Invitae Evidence Modeling of protein sequence and biophysical properties (such as structural, functional, and spatial information, amino acid conservation, physicochemical variation, residue mobility, and thermodynamic stability) indicates that this missense variant is expected to disrupt KANK1 protein function with a positive predictive value of 80%. In summary, the available evidence is currently insufficient to determine the role of this variant in disease. Therefore, it has been classified as a Variant of Uncertain Significance.